The following is an entry in ClinVar:

NM_032119.4(ADGRV1):c.16472G>A (p.Ser5491Asn)

Gene: ADGRV1 (adhesion G protein-coupled receptor V1; plus strand). Cytogenetic location: 5q14.3.
Variant type: single nucleotide variant.
Coding change: c.16472G>A on transcript NM_032119.4 (MANE Select); coding-DNA position 16472, G replaced by A.
Protein change: p.Ser5491Asn; replaces serine 5491 with asparagine.
Molecular consequence: missense variant. On other transcripts: non-coding transcript variant (1).
Genome position (GRCh38, 1-based): chr5:90,829,047, G>A. VCF-style: chr5-90829047-G-A. GRCh37 (hg19) VCF-style: chr5-90124864-G-A.
Other names: short protein forms S5491N.
Identifiers: ClinVar variation 1146462 (VCV001146462.15), dbSNP rs199796758, ClinGen allele CA3342163.
Genomic context (GRCh38, chr5:90,829,047, plus strand): 5'-CTACTGCTGGAGCAGCAATAAACAACAGTGCCAGATTCGCACAGATTAAAATCTTAGAAA[G>A]TGATGAATCTCAAAGCCTTGTGTATTTTTCTGTGGGTTCTCGGCTGGCAGTGGCTCACAA-3'
Protein context (NP_115495.3, residues 5481-5501): ARFAQIKILE[Ser5491Asn]DESQSLVYFS

ClinVar aggregate classification (germline): Likely benign. Review status: criteria provided, multiple submitters, no conflicts (2 of 4 stars). 5 submissions from 5 submitters: Likely benign (5). Last evaluated 2026-08-10.

Conditions:
ADGRV1-related disorder. Also called: ADGRV1-related condition; ADGRV1-related disorders.
Usher syndrome type 2C. Also called: USHER SYNDROME, TYPE IIC; Usher syndrome, type 2B. Identifiers: Orphanet 231178, Orphanet 886, MedGen C2931213, MONDO:0011558, OMIM 605472.
Febrile seizures, familial, 4 (FEB4). Also called: CONVULSIONS, FAMILIAL FEBRILE, 4. Identifiers: MedGen C1858493, MONDO:0011443, OMIM 604352.

Allele frequency attached by ClinVar (database versions not stated): gnomAD exomes 0.00007 and 0.00020; ExAC 0.00027; 1000 Genomes Project 0.00040; 1000 Genomes Project 30x 0.00047; gnomAD 0.00103 and 0.00113; ESP Exome Variant Server 0.00118; TOPMed 0.00122.
gnomAD v4.1: 253 of 1,612,754 alleles (0.016%); highest among the groups gnomAD compares: African/African-American, 0.32%; no homozygotes.

Submissions (5):

PreventionGenetics, part of Exact Sciences
Classification: Likely benign for ADGRV1-related condition. Last evaluated: 2026-08-10. Review status: criteria provided, single submitter. Criteria: ACMG Guidelines, 2015. Collection method: clinical testing. Allele origin: germline.
Comment: This variant is classified as likely benign based on ACMG/AMP sequence variant interpretation guidelines (Richards et al. 2015 PMID: 25741868, with internal and published modifications).

Labcorp Genetics (formerly Invitae), Labcorp
Classification: Likely benign. Last evaluated: 2026-01-28. Review status: criteria provided, single submitter. Criteria: Invitae Variant Classification Sherloc (09022015). Collection method: clinical testing. Allele origin: germline.

Blueprint Genetics
Classification: Likely benign. Last evaluated: 2024-09-18. Review status: criteria provided, single submitter. Criteria: ACMG Guidelines, 2015. Collection method: clinical testing. Allele origin: germline.

Fulgent Genetics
Classification: Likely benign for Febrile seizures, familial, 4; Usher syndrome type 2C. Last evaluated: 2022-05-03. Review status: criteria provided, single submitter. Criteria: ACMG Guidelines, 2015. Collection method: clinical testing. Allele origin: unknown.

GeneDx
Classification: Likely benign. Last evaluated: 2020-11-02. Review status: criteria provided, single submitter. Criteria: GeneDx Variant Classification Process June 2021. Collection method: clinical testing. Allele origin: germline. Affected: yes.
Comment: This variant is associated with the following publications: (PMID: 26969326)